The following is an entry in ClinVar:

NM_001160331.2(NFASC):c.715A>G (p.Arg239Gly)

Gene: NFASC (neurofascin; plus strand). Cytogenetic location: 1q32.1.
Variant type: single nucleotide variant.
Coding change: c.715A>G on transcript NM_001160331.2 (MANE Plus Clinical); coding-DNA position 715, A replaced by G.
Protein change: p.Arg239Gly; replaces arginine 239 with glycine.
Molecular consequence: missense variant. On other transcripts: intron variant (4).
Genome position (GRCh38, 1-based): chr1:204,962,134, A>G. VCF-style: chr1-204962134-A-G. GRCh37 (hg19) VCF-style: chr1-204931262-A-G.
Other names: c.715A>G, p.Arg239Gly (NM_001160332.2, NM_001365986.1, NM_001378330.1 and 2 more transcripts); c.706+4308A>G (NM_001378329.1, NM_001005388.3, NM_001005389.2); c.688+4308A>G (NM_001160333.2); short protein forms R239G.
Identifiers: ClinVar variation 3900129 (VCV003900129.1).

ClinVar aggregate classification (germline): Uncertain significance (1 of 4 stars; one submission).

gnomAD v4.1: 5 of 1,613,868 alleles (0.00031%); highest among the groups gnomAD compares: Admixed American, 0.005%; no homozygotes.

Submission:

GeneDx
Classification: Uncertain significance. Last evaluated: 2024-11-22. Review status: criteria provided, single submitter. Criteria: GeneDx Variant Classification Process June 2021. Collection method: clinical testing. Allele origin: germline. Affected: yes.
Comment: Not observed at significant frequency in large population cohorts (gnomAD); In silico analysis indicates that this missense variant does not alter protein structure/function; Has not been previously published as pathogenic or benign to our knowledge